The following is an entry in ClinVar:

NM_000443.4(ABCB4):c.1714C>T (p.Gln572Ter)

Gene: ABCB4 (ATP binding cassette subfamily B member 4; minus strand). Cytogenetic location: 7q21.12.
Variant type: single nucleotide variant.
Coding change: c.1714C>T on transcript NM_000443.4 (MANE Select); coding-DNA position 1714, C replaced by T.
Protein change: p.Gln572Ter; replaces glutamine 572 with a stop codon.
Molecular consequence: nonsense.
Genome position (GRCh38, 1-based): chr7:87,439,684, G>A on the plus strand (C>T on the coding strand, the complement: ABCB4 is on the minus strand). VCF-style: chr7-87439684-G-A. GRCh37 (hg19) VCF-style: chr7-87069000-G-A.
Other names: c.1714C>T, p.Gln572Ter (NM_018849.3, NM_018850.3); c.1714C>T (NM_000443.3, NM_018849.2); short protein forms Q572*.
Identifiers: ClinVar variation 802328 (VCV000802328.7), dbSNP rs1458423947, ClinGen allele CA368038050.

ClinVar aggregate classification (germline): Pathogenic. Review status: criteria provided, multiple submitters, no conflicts (2 of 4 stars). 5 submissions from 5 submitters: Pathogenic (5). Last evaluated 2026-08-05.

Conditions:
Progressive familial intrahepatic cholestasis type 1. Also called: BYLER DISEASE; Severe ATP8B1 Deficiency (Progressive Familial Intrahepatic Cholestasis Type 1 [PFIC1]); Byler's disease. Identifiers: Orphanet 79306, MedGen C4551898, MONDO:0008892, OMIM 211600.
Low phospholipid associated cholelithiasis (GBD1). Also called: Gallbladder disease 1; Gallstone cholecystitis. Identifiers: Orphanet 69663, MedGen C2609268, MONDO:0010939, OMIM 600803.
Familial intrahepatic cholestasis. Identifiers: Orphanet 284385, MedGen CN296401, MONDO:0017290.
ABCB4-related disorder. Also called: ABCB4-related disorders; ABCB4-related condition.
Progressive familial intrahepatic cholestasis type 3. Also called: MDR3 DEFICIENCY; Low Gamma-GT Familial Intrahepatic Cholestasis. Identifiers: Orphanet 79305, MedGen C1865643, MONDO:0011214, OMIM 602347.

Allele frequency attached by ClinVar (database versions not stated): TOPMed below 0.00001; gnomAD 0.00001.
gnomAD v4.1: 1 of 1,614,032 alleles (0.000062%); highest among the groups gnomAD compares: Non-Finnish European, 0.000085%; no homozygotes.

Submissions (5):

PreventionGenetics, part of Exact Sciences
Classification: Pathogenic for ABCB4-related condition. Last evaluated: 2026-08-05. Review status: criteria provided, single submitter. Criteria: ACMG Guidelines, 2015. Collection method: clinical testing. Allele origin: germline.
Comment: The ABCB4 c.1714C>T variant is predicted to result in premature protein termination (p.Gln572*). This variant has been reported in the compound heterozygous state in an individual with familial progressive intrahepatic cholestasis (case ID number 64 in supplementary data, Quaio et al. 2020. PubMed ID: 33258288). This variant is reported in 0.0065% of alleles in individuals of European (Non-Finnish) descent in gnomAD. Nonsense variants in ABCB4 are expected to be pathogenic. This variant is interpreted as pathogenic.

Genomenon, Inc
Classification: Pathogenic for Familial intrahepatic cholestasis; Low phospholipid associated cholelithiasis. Last evaluated: 2026-04-14. Review status: criteria provided, single submitter. Criteria: Genomenon Sequence Variant Interpretation Standards - Updated. Collection method: curation. Allele origin: germline. Affected: yes.
Comment: ABCB4 p.Gln572Ter (c.1714C>T) is a nonsense variant that introduces a premature stop codon at amino acid position 572, creating a truncated protein that is predicted to undergo nonsense-mediated mRNA decay. This variant has been observed in at least one proband with an ABCB4-related disorder (PMID:37697751;35626323). The variant was found to segregate with disease in at least one family (PMID:35626323). It is absent or not present at a significant frequency in gnomAD. In conclusion, we classify ABCB4 p.Gln572Ter (c.1714C>T) as a pathogenic variant.

Labcorp Genetics (formerly Invitae), Labcorp
Classification: Pathogenic. Last evaluated: 2023-06-02. Review status: criteria provided, single submitter. Criteria: Invitae Variant Classification Sherloc (09022015). Collection method: clinical testing. Allele origin: germline.
Comment: For these reasons, this variant has been classified as Pathogenic. ClinVar contains an entry for this variant (Variation ID: 802328). This premature translational stop signal has been observed in individual(s) with clinical features of ABCB4-related conditions (PMID: 33258288). This variant is present in population databases (no rsID available, gnomAD 0.007%). This sequence change creates a premature translational stop signal (p.Gln572*) in the ABCB4 gene. It is expected to result in an absent or disrupted protein product. Loss-of-function variants in ABCB4 are known to be pathogenic (PMID: 17726488, 25755532).

Mendelics
Classification: Pathogenic for Progressive familial intrahepatic cholestasis type 1. Last evaluated: 2019-05-28. Review status: criteria provided, single submitter. Criteria: Mendelics Assertion Criteria 2017. Collection method: clinical testing. Allele origin: unknown.

Rolfs Rare Disease Consulting, Rolfs Consulting Und Verwaltungs GmbH
Classification: Pathogenic for Progressive familial intrahepatic cholestasis type 3. Last evaluated: 2019-01-01. Review status: criteria provided, single submitter. Criteria: ACMG Guidelines, 2015. Collection method: clinical testing. Allele origin: germline. Affected: yes.

Literature cited by the submitters: PubMed 37697751 (cited by Genomenon, Inc); PubMed 35626323 (cited by Genomenon, Inc); PubMed 33258288 (cited by Labcorp Genetics (formerly Invitae), Labcorp); PubMed 17726488 (cited by Labcorp Genetics (formerly Invitae), Labcorp); PubMed 25755532 (cited by Labcorp Genetics (formerly Invitae), Labcorp).